The following is an entry in ClinVar:

NM_001376.5(DYNC1H1):c.4970T>C (p.Met1657Thr)

Gene: DYNC1H1 (dynein cytoplasmic 1 heavy chain 1; plus strand). Cytogenetic location: 14q32.31.
Variant type: single nucleotide variant.
Coding change: c.4970T>C on transcript NM_001376.5 (MANE Select); coding-DNA position 4970, T replaced by C.
Protein change: p.Met1657Thr; replaces methionine 1657 with threonine.
Molecular consequence: missense variant.
Genome position (GRCh38, 1-based): chr14:102,004,604, T>C. VCF-style: chr14-102004604-T-C. GRCh37 (hg19) VCF-style: chr14-102470941-T-C.
Other names: short protein forms M1657T.
Identifiers: ClinVar variation 2628604 (VCV002628604.4), dbSNP rs747334023, ClinGen allele CA7352332.

ClinVar aggregate classification (germline): Uncertain significance. Review status: criteria provided, multiple submitters, no conflicts (2 of 4 stars). 3 submissions from 3 submitters: Uncertain significance (3). Last evaluated 2025-10-12.

Conditions:
Autosomal dominant childhood-onset proximal spinal muscular atrophy without contractures. Also called: Spinal muscular atrophy, lower extremity-predominant 1, AD; SPINAL MUSCULAR ATROPHY, CHILDHOOD, PROXIMAL, AUTOSOMAL DOMINANT; KUGELBERG-WELANDER SYNDROME, AUTOSOMAL DOMINANT; SPINAL MUSCULAR ATROPHY, JUVENILE, PROXIMAL, AUTOSOMAL DOMINANT. Identifiers: Orphanet 209341, Orphanet 363447, MedGen C5780022, MONDO:0008026, OMIM 158600.
Charcot-Marie-Tooth disease axonal type 2O. Also called: CHARCOT-MARIE-TOOTH NEUROPATHY, AXONAL, TYPE 2O; CHARCOT-MARIE-TOOTH DISEASE, AXONAL, AUTOSOMAL DOMINANT, TYPE 2O; Charcot-Marie-Tooth Neuropathy Type 2O; Charcot-Marie-Tooth disease, axonal, type 20. Identifiers: Orphanet 284232, MedGen C3280220, MONDO:0013644, OMIM 614228.
Cortical dysplasia, complex, with other brain malformations 13. Also called: Intellectual disability, autosomal dominant 13. Identifiers: MedGen C3281202, MONDO:0013805, OMIM 614563.
DYNC1H1-related disorder. Also called: DYNC1H1-related disorders; DYNC1H1-related condition. Identifiers: MedGen CN381529.

Allele frequency attached by ClinVar (database versions not stated): ExAC 0.00001.

Submissions (3):

Labcorp Genetics (formerly Invitae), Labcorp
Classification: Uncertain significance for Charcot-Marie-Tooth disease axonal type 2O. Last evaluated: 2025-10-12. Review status: criteria provided, single submitter. Criteria: Invitae Variant Classification Sherloc (09022015). Collection method: clinical testing. Allele origin: germline.
Comment: This sequence change replaces methionine, which is neutral and non-polar, with threonine, which is neutral and polar, at codon 1657 of the DYNC1H1 protein (p.Met1657Thr). This variant is present in population databases (rs747334023, gnomAD 0.006%). This variant has not been reported in the literature in individuals affected with DYNC1H1-related conditions. ClinVar contains an entry for this variant (Variation ID: 2628604). Invitae Evidence Modeling of protein sequence and biophysical properties (such as structural, functional, and spatial information, amino acid conservation, physicochemical variation, residue mobility, and thermodynamic stability) indicates that this missense variant is expected to disrupt DYNC1H1 protein function with a positive predictive value of 95%. In summary, the available evidence is currently insufficient to determine the role of this variant in disease. Therefore, it has been classified as a Variant of Uncertain Significance.

PreventionGenetics, part of Exact Sciences
Classification: Uncertain significance for DYNC1H1-related condition. Last evaluated: 2023-04-21. Review status: criteria provided, single submitter. Criteria: ACMG Guidelines, 2015. Collection method: clinical testing. Allele origin: germline.
Comment: The DYNC1H1 c.4970T>C variant is predicted to result in the amino acid substitution p.Met1657Thr. To our knowledge, this variant has not been reported in the literature. This variant is reported in 0.0054% of alleles in individuals of East Asian descent in gnomAD. At this time, the clinical significance of this variant is uncertain due to the absence of conclusive functional and genetic evidence.

Juno Genomics, Hangzhou Juno Genomics, Inc
Classification: Uncertain significance for Cortical dysplasia, complex, with other brain malformations 13; Charcot-Marie-Tooth disease axonal type 2O; Autosomal dominant childhood-onset proximal spinal muscular atrophy without contractures. Review status: criteria provided, single submitter. Criteria: ACMG Guidelines, 2015. Collection method: clinical testing. Allele origin: germline.
Comment: Missense variant in a gene that has a low rate of benign missense variation.;Multiple lines of computational evidence support a deleterious effect on the gene or gene product.;Absent from controls (or at extremely low frequency if recessive) in Genome Aggregation Database.